The following is an entry in ClinVar:

NM_003922.4(HERC1):c.146C>T (p.Pro49Leu)

Gene: HERC1 (HECT and RLD domain containing E3 ubiquitin protein ligase family member 1; minus strand). Cytogenetic location: 15q22.31.
Variant type: single nucleotide variant.
Coding change: c.146C>T on transcript NM_003922.4 (MANE Select); coding-DNA position 146, C replaced by T.
Protein change: p.Pro49Leu; replaces proline 49 with leucine.
Molecular consequence: missense variant.
Genome position (GRCh38, 1-based): chr15:63,775,478, G>A on the plus strand (C>T on the coding strand, the complement: HERC1 is on the minus strand). VCF-style: chr15-63775478-G-A. GRCh37 (hg19) VCF-style: chr15-64067677-G-A.
Other names: short protein forms P49L.
Identifiers: ClinVar variation 1898320 (VCV001898320.5), dbSNP rs1471953644, ClinGen allele CA392807191.
Genomic context (GRCh38, chr15:63,775,478, plus strand): 5'-GACTCACGTTCAAAGTCTGGCAACTGTGGTCCTTTGAGGCATAAAACTTGTTGGGGCAAA[G>A]GTACTACTTCCTTATTGCTAACCAGTTTAGAATACAGAACAGCAACTCCCTCTCTTGTAG-3'
Protein context (NP_003913.3, residues 39-59): SKLVSNKEVV[Pro49Leu]LPQQVLCLKG

ClinVar aggregate classification (germline): Uncertain significance (1 of 4 stars; one submission).

Allele frequency attached by ClinVar (database versions not stated): TOPMed below 0.00001; gnomAD exomes 0.00001.
gnomAD v4.1: 8 of 1,614,012 alleles (0.0005%); highest among the groups gnomAD compares: Middle Eastern, 0.016%; no homozygotes.

Submission:

Labcorp Genetics (formerly Invitae), Labcorp
Classification: Uncertain significance. Last evaluated: 2025-04-21. Review status: criteria provided, single submitter. Criteria: Invitae Variant Classification Sherloc (09022015). Collection method: clinical testing. Allele origin: germline.
Comment: This sequence change replaces proline, which is neutral and non-polar, with leucine, which is neutral and non-polar, at codon 49 of the HERC1 protein (p.Pro49Leu). This variant is present in population databases (no rsID available, gnomAD 0.002%). This variant has not been reported in the literature in individuals affected with HERC1-related conditions. ClinVar contains an entry for this variant (Variation ID: 1898320). Invitae Evidence Modeling of protein sequence and biophysical properties (such as structural, functional, and spatial information, amino acid conservation, physicochemical variation, residue mobility, and thermodynamic stability) indicates that this missense variant is not expected to disrupt HERC1 protein function with a negative predictive value of 80%. In summary, the available evidence is currently insufficient to determine the role of this variant in disease. Therefore, it has been classified as a Variant of Uncertain Significance.